The following is an entry in ClinVar:

ClinVar aggregate classification (germline): Uncertain significance (1 of 4 stars; one submission).

Submission:

Dasa
Classification: Uncertain significance. Last evaluated: 2025-10-14. Review status: criteria provided, single submitter. Criteria: DASA Assertion Criteria. Collection method: clinical testing. Allele origin: germline.
Comment: NM_152424.4(AMER1):c.1588G>A (p.Gly530Ser) is a missense variant that results in the substitution of glycine with serine. This variant is absent from population databases. The currently available literature and clinical evidence are not sufficient to establish a definitive association between this variant and the reported condition. Therefore, this variant is classified as a variant of uncertain significance.

NM_152424.4(AMER1):c.1588G>A (p.Gly530Ser)

Gene: AMER1 (APC membrane recruitment protein 1; minus strand). Cytogenetic location: Xq11.2.
Variant type: single nucleotide variant.
Coding change: c.1588G>A on transcript NM_152424.4 (MANE Select); coding-DNA position 1588, G replaced by A.
Protein change: p.Gly530Ser; replaces glycine 530 with serine.
Molecular consequence: missense variant.
Genome position (GRCh38, 1-based): chrX:64,191,699, C>T on the plus strand (G>A on the coding strand, the complement: AMER1 is on the minus strand). VCF-style: chrX-64191699-C-T. GRCh37 (hg19) VCF-style: chrX-63411579-C-T.
Other names: short protein forms G530S.
Identifiers: ClinVar variation 4882385 (VCV004882385.2).
Genomic context (GRCh38, chrX:64,191,699, plus strand): 5'-GCCGGGAGGACAAAAAGGGCTCAAAGTTTAAGAAGGGGTCAAACATCTCAGAGCTTCGAC[C>T]ATGGAGGTCATAAAGGCAGTCATCTCCAGGTGGAGAGTTCTCAAGGCTGTCATCTGGCTC-3'
Protein context (NP_689637.3, residues 520-540): PGDDCLYDLH[Gly530Ser]RSSEMFDPFL